The following is an entry in ClinVar:

NM_001048174.2(MUTYH):c.1103-9C>T

Gene: MUTYH (mutY DNA glycosylase; minus strand). Cytogenetic location: 1p34.1.
Variant type: single nucleotide variant.
Coding change: c.1103-9C>T on transcript NM_001048174.2 (MANE Select); 9 bases into the intron before coding-DNA position 1103, C replaced by T.
Molecular consequence: intron variant.
Genome position (GRCh38, 1-based): chr1:45,331,565, G>A on the plus strand (C>T on the coding strand, the complement: MUTYH is on the minus strand). VCF-style: chr1-45331565-G-A. GRCh37 (hg19) VCF-style: chr1-45797237-G-A.
Other names: c.758-9C>T (NM_001350651.2, NM_001350650.2); c.827-9C>T (NM_001293192.2, NM_001293196.2); c.1103-9C>T (NM_001048171.2, NM_001048173.2, NM_001293195.2); c.1148-9C>T (NM_001293190.2); c.1178-9C>T (NM_012222.3); c.1187-9C>T (NM_001128425.2); c.1106-9C>T (NM_001048172.2); c.1136-9C>T (NM_001293191.2).
Identifiers: ClinVar variation 1616760 (VCV001616760.9), dbSNP rs747586848, ClinGen allele CA055428.

ClinVar aggregate classification (germline): Likely benign. Review status: criteria provided, multiple submitters, no conflicts (2 of 4 stars). 2 submissions from 2 submitters: Likely benign (2). Last evaluated 2023-11-20.

Conditions:
Familial adenomatous polyposis 2. Also called: COLORECTAL ADENOMATOUS POLYPOSIS, AUTOSOMAL RECESSIVE; ADENOMAS, MULTIPLE COLORECTAL, AUTOSOMAL RECESSIVE; MYH-associated polyposis; MUTYH-associated polyposis; MUTYH-related attenuated familial adenomatous polyposis; MUTYH Polyposis. Identifiers: Orphanet 220460, Orphanet 247798, MedGen C3272841, MONDO:0012041, OMIM 608456.

Allele frequency attached by ClinVar (database versions not stated): gnomAD exomes below 0.00001; ExAC 0.00001.
gnomAD v4.1: 1 of 1,613,782 alleles (0.000062%); highest among the groups gnomAD compares: Admixed American, 0.0017%; no homozygotes.

Submissions (2):

All of Us Research Program, National Institutes of Health
Classification: Likely benign for Familial adenomatous polyposis 2. Last evaluated: 2023-11-20. Review status: criteria provided, single submitter. Criteria: ACMG Guidelines, 2015. Collection method: clinical testing. Allele origin: germline. Inheritance: Autosomal recessive inheritance. Observed: 1 variant allele, 1 heterozygote.
Comment: This study involves interpretation of variants in research participants for the purpose of population health screening. Participant phenotype was not available at the time of variant classification. Additional details can be found in publication PMID: 35346344, PMCID: PMC8962531

Labcorp Genetics (formerly Invitae), Labcorp
Classification: Likely benign for Familial adenomatous polyposis 2. Last evaluated: 2023-08-18. Review status: criteria provided, single submitter. Criteria: Invitae Variant Classification Sherloc (09022015). Collection method: clinical testing. Allele origin: germline.